The following is an entry in ClinVar:

NM_001378454.1(ALMS1):c.6910A>T (p.Lys2304Ter)

Gene: ALMS1 (ALMS1 centrosome and basal body associated protein; plus strand). Cytogenetic location: 2p13.1.
Variant type: single nucleotide variant.
Coding change: c.6910A>T on transcript NM_001378454.1 (MANE Select); coding-DNA position 6910, A replaced by T.
Protein change: p.Lys2304Ter; replaces lysine 2304 with a stop codon.
Molecular consequence: nonsense.
Genome position (GRCh38, 1-based): chr2:73,453,437, A>T. VCF-style: chr2-73453437-A-T. GRCh37 (hg19) VCF-style: chr2-73680564-A-T.
Other names: c.6913A>T, p.Lys2305Ter (NM_015120.4); short protein forms K2304*, K2305*.
Identifiers: ClinVar variation 1726749 (VCV001726749.2), dbSNP rs2466110589, ClinGen allele CA347290027.

ClinVar aggregate classification (germline): Likely pathogenic (1 of 4 stars; one submission).

Conditions:
Alstrom syndrome (ALMS). Identifiers: Orphanet 64, MedGen C0268425, MONDO:0008763, OMIM 203800.

Submission:

Myriad Genetics, Inc.
Classification: Likely pathogenic for Alstrom syndrome. Last evaluated: 2022-03-31. Review status: criteria provided, single submitter. Criteria: Myriad Women's Health Autosomal Recessive and X-Linked Classification Criteria (2021). Collection method: clinical testing. Allele origin: unknown.
Comment: NM_015120.4(ALMS1):c.6913A>T(K2305*) is expected to be pathogenic in the context of Alstrom syndrome. This variant is predicted to lead to an abnormal or absent protein product due to the creation of a premature termination codon in ALMS1, a gene where loss-of-function variants are known to be pathogenic. Please note: this variant was assessed in the context of healthy population screening.